The following is an entry in ClinVar:

ClinVar aggregate classification (germline): Likely benign (1 of 4 stars; one submission).

Allele frequency attached by ClinVar (database versions not stated): 1000 Genomes Project 30x 0.00078; 1000 Genomes Project 0.00080; ESP Exome Variant Server 0.00215; gnomAD 0.00230; gnomAD exomes 0.00332; ExAC 0.00257; TOPMed 0.00292.
gnomAD v4.1: 5,193 of 1,613,696 alleles (0.32%); highest among the groups gnomAD compares: Non-Finnish European, 0.4%; 10 homozygotes.

Submission:

CeGaT Center for Human Genetics Tuebingen
Classification: Likely benign. Last evaluated: 2022-06-01. Review status: criteria provided, single submitter. Criteria: CeGaT Center For Human Genetics Tuebingen Variant Classification Criteria Version 2. Collection method: clinical testing. Allele origin: germline. Affected: yes. Observed: 1 variant allele.
Comment: HS6ST3: BP4, BS2

NM_153456.4(HS6ST3):c.1259A>T (p.His420Leu)

Gene: HS6ST3 (heparan sulfate 6-O-sulfotransferase 3; plus strand). Cytogenetic location: 13q32.1.
Variant type: single nucleotide variant.
Coding change: c.1259A>T on transcript NM_153456.4 (MANE Select); coding-DNA position 1259, A replaced by T.
Protein change: p.His420Leu; replaces histidine 420 with leucine.
Molecular consequence: missense variant.
Genome position (GRCh38, 1-based): chr13:96,833,041, A>T. VCF-style: chr13-96833041-A-T. GRCh37 (hg19) VCF-style: chr13-97485295-A-T.
Other names: short protein forms H420L.
Identifiers: ClinVar variation 2643881 (VCV002643881.24), dbSNP rs140922305, ClinGen allele CA7023563.